The following is an entry in ClinVar:

ClinVar aggregate classification (germline): Conflicting classifications of pathogenicity. Review status: criteria provided, conflicting classifications (1 of 4 stars). 4 submissions from 4 submitters: Uncertain significance (1); Benign (1); Likely benign (2). Last evaluated 2025-10-01.

Conditions:
Saldino-Mainzer syndrome (SRTD9). Also called: CONORENAL SYNDROME; SHORT-RIB THORACIC DYSPLASIA 9 WITHOUT POLYDACTYLY; short-rib thoracic dysplasia 9 with or without polydactyly; Renal dysplasia, retinal pigmentary dystrophy, cerebellar ataxia and skeletal dysplasia. Identifiers: Orphanet 140969, MedGen C1849437, MONDO:0009964, OMIM 266920.

Allele frequency attached by ClinVar (database versions not stated): ESP Exome Variant Server 0.00077; gnomAD 0.00112 and 0.00122; TOPMed 0.00114; ExAC 0.00151; gnomAD exomes 0.00152 and 0.00183; 1000 Genomes Project 30x 0.00156; 1000 Genomes Project 0.00180.

Submissions (4):

CeGaT Center for Human Genetics Tuebingen
Classification: Likely benign. Last evaluated: 2025-10-01. Review status: criteria provided, single submitter. Criteria: CeGaT Center For Human Genetics Tuebingen Variant Classification Criteria Version 2. Collection method: clinical testing. Allele origin: germline. Affected: yes. Observed: 2 variant alleles.
Comment: IFT140: BP4, BS2

Mayo Clinic Laboratories, Mayo Clinic
Classification: Benign. Last evaluated: 2025-09-22. Review status: criteria provided, single submitter. Criteria: ACMG Guidelines, 2015. Collection method: clinical testing. Allele origin: germline. Observed: 1 variant allele.
Comment: BS1, BS2, BP4, BP7

Genetic Services Laboratory, University of Chicago
Classification: Uncertain significance. Last evaluated: 2018-03-08. Review status: criteria provided, single submitter. Criteria: ACMG Guidelines, 2015. Collection method: clinical testing. Allele origin: germline. Affected: no.

Illumina Laboratory Services, Illumina
Classification: Likely benign for Saldino-Mainzer syndrome. Last evaluated: 2018-01-13. Review status: criteria provided, single submitter. Criteria: ICSL Variant Classification Criteria 13 December 2019. Collection method: clinical testing. Allele origin: germline.
Comment: This variant was observed in the ICSL laboratory as part of a predisposition screen in an ostensibly healthy population. It had not been previously curated by ICSL or reported in the Human Gene Mutation Database (HGMD: prior to June 1st, 2018), and was therefore a candidate for classification through an automated scoring system. Utilizing variant allele frequency, disease prevalence and penetrance estimates, and inheritance mode, an automated score was calculated to assess if this variant is too frequent to cause the disease. Based on the score and internal cut-off values, a variant classified as likely benign is not then subjected to further curation. The score for this variant resulted in a classification of likely benign for this disease.

NM_014714.4(IFT140):c.-4C>T

Genes: IFT140 (intraflagellar transport 140; minus strand), LOC105371046 (uncharacterized LOC105371046; plus strand). Cytogenetic location: 16p13.3.
Variant type: single nucleotide variant.
Coding change: c.-4C>T on transcript NM_014714.4 (MANE Select); 4 bases upstream of the start codon, C replaced by T.
Molecular consequence: 5 prime UTR variant.
Genome position (GRCh38, 1-based): chr16:1,607,270, G>A on the plus strand (C>T on the coding strand, the complement: IFT140 is on the minus strand). VCF-style: chr16-1607270-G-A. GRCh37 (hg19) VCF-style: chr16-1657271-G-A.
Identifiers: ClinVar variation 318221 (VCV000318221.16), dbSNP rs140403660, ClinGen allele CA7814858.